The following is an entry in ClinVar:

ClinVar aggregate classification (germline): Pathogenic (1 of 4 stars; one submission).

Conditions:
Glucose-6-phosphate transport defect (GSD1B). Also called: Glycogen Storage Disease Type Ib; GSD Ib. Identifiers: Orphanet 364, Orphanet 79259, MedGen C0268146, MONDO:0009288, OMIM 232220.

Submission:

Labcorp Genetics (formerly Invitae), Labcorp
Classification: Pathogenic for Glucose-6-phosphate transport defect. Last evaluated: 2023-10-17. Review status: criteria provided, single submitter. Criteria: Invitae Variant Classification Sherloc (09022015). Collection method: clinical testing. Allele origin: unknown.
Comment: This variant is a gross deletion of the genomic region encompassing exon(s) 6-7 of the SLC37A4 gene. This deletion is out-of-frame, and is expected to create a premature termination codon and result in an absent or disrupted protein product. Loss-of-function variants in SLC37A4 are known to be pathogenic (PMID: 9758626, 10940311). This variant has not been reported in the literature in individuals affected with SLC37A4-related conditions. For these reasons, this variant has been classified as Pathogenic.

Literature cited by the submitters: PubMed 9758626; PubMed 10940311.

NC_000011.9:g.(?_118897293)_(118897825_?)del

Gene: SLC37A4 (solute carrier family 37 member 4; minus strand). Cytogenetic location: 11q23.3.
Variant type: Deletion.
Identifiers: ClinVar variation 3244580 (VCV003244580.1).